The following is an entry in ClinVar:

NM_003413.4(ZIC3):c.135CGC[8] (p.Ala55del)

Gene: ZIC3 (Zic family zinc finger 3; plus strand). Cytogenetic location: Xq26.3.
Variant type: Microsatellite.
Coding change: c.135CGC[8] on transcript NM_003413.4 (MANE Select); eight copies in a row of the 3-base unit CGC starting at c.135; the reference has nine copies in a row; one copy, 3 bases deleted.
Protein change: p.Ala55del; deletes alanine 55.
Molecular consequence: inframe deletion.
Genome position (GRCh38, 1-based): chrX:137,566,850-137,566,852, CGC deleted; deleting any 3 consecutive bases within chrX:137,566,826-137,566,852 gives the same sequence; the position shown is the placement nearest the transcript's 3' end. VCF-style (leftmost placement, unchanged base first): chrX-137566825-ACGC-A. GRCh37 (hg19) VCF-style: chrX-136648984-ACGC-A.
Other names: c.135CGC[8], p.Ala55del (NM_001330661.1); short protein forms A55del.
Identifiers: ClinVar variation 573248 (VCV000573248.14), dbSNP rs748325646, ClinGen allele CA10529268.

ClinVar aggregate classification (germline): Conflicting classifications of pathogenicity. Review status: criteria provided, conflicting classifications (1 of 4 stars). 4 submissions from 4 submitters: Uncertain significance (1); Likely benign (2). 1 of the submissions does not count toward it. Last evaluated 2024-11-27.

Conditions:
Heterotaxy, visceral, 1, X-linked (HTX1). Also called: DEXTROCARDIA WITH OTHER CARDIAC MALFORMATIONS; SITUS INVERSUS, COMPLEX CARDIAC DEFECTS, AND SPLENIC DEFECTS, X-LINKED; Laterality, X-linked; Visceral heterotaxia. Identifiers: Orphanet 450, MedGen C1844020, MONDO:0010607, OMIM 306955.
ZIC3-related disorder. Also called: ZIC3-Related Disorders; ZIC3-related condition.

Submissions (4):

Blueprint Genetics
Classification: Likely benign. Last evaluated: 2024-11-27. Review status: criteria provided, single submitter. Criteria: ACMG Guidelines, 2015. Collection method: clinical testing. Allele origin: germline.

Labcorp Genetics (formerly Invitae), Labcorp
Classification: Uncertain significance for Heterotaxy, visceral, 1, X-linked. Last evaluated: 2024-02-18. Review status: criteria provided, single submitter. Criteria: Invitae Variant Classification Sherloc (09022015). Collection method: clinical testing. Allele origin: germline.
Comment: This variant, c.159_161del, results in the deletion of 1 amino acid(s) of the ZIC3 protein (p.Ala55del), but otherwise preserves the integrity of the reading frame. The frequency data for this variant in the population databases is considered unreliable, as metrics indicate poor data quality at this position in the gnomAD database. This variant has not been reported in the literature in individuals affected with ZIC3-related conditions. ClinVar contains an entry for this variant (Variation ID: 573248). Experimental studies and prediction algorithms are not available or were not evaluated, and the functional significance of this variant is currently unknown. In summary, the available evidence is currently insufficient to determine the role of this variant in disease. Therefore, it has been classified as a Variant of Uncertain Significance.

Mendelics
Classification: Likely benign for Heterotaxy, visceral, 1, X-linked. Last evaluated: 2019-05-28. Review status: criteria provided, single submitter. Criteria: Mendelics Assertion Criteria 2017. Collection method: clinical testing. Allele origin: unknown.

PreventionGenetics, part of Exact Sciences
Classification: Benign for ZIC3-related condition. Last evaluated: 2019-09-24. Review status: no assertion criteria provided. Collection method: clinical testing. Allele origin: germline. Not counted in ClinVar's aggregate classification.
Comment: This variant is classified as benign based on ACMG/AMP sequence variant interpretation guidelines (Richards et al. 2015 PMID: 25741868, with internal and published modifications).